The following is an entry in ClinVar:

ClinVar aggregate classification (germline): Uncertain significance. Review status: criteria provided, multiple submitters, no conflicts (2 of 4 stars). 3 submissions from 3 submitters: Uncertain significance (3). Last evaluated 2024-03-29.

Conditions:
Combined immunodeficiency due to OX40 deficiency. Also called: OX40 DEFICIENCY; Immunodeficiency 16. Identifiers: Orphanet 431149, MedGen C3810053, MONDO:0014268, OMIM 615593.

Submissions (3):

Genomic Medicine Center of Excellence, King Faisal Specialist Hospital and Research Centre
Classification: Uncertain significance for Combined immunodeficiency due to OX40 deficiency. Last evaluated: 2024-03-29. Review status: criteria provided, single submitter. Criteria: ACMG Guidelines, 2015. Collection method: clinical testing. Allele origin: germline.

Labcorp Genetics (formerly Invitae), Labcorp
Classification: Uncertain significance for Combined immunodeficiency due to OX40 deficiency. Last evaluated: 2023-05-22. Review status: criteria provided, single submitter. Criteria: Invitae Variant Classification Sherloc (09022015). Collection method: clinical testing. Allele origin: germline.
Comment: This variant has not been reported in the literature in individuals affected with TNFRSF4-related conditions. This sequence change creates a premature translational stop signal (p.Leu227Cysfs*) in the TNFRSF4 gene. It is expected to result in an absent or disrupted protein product. However, the current clinical and genetic evidence is not sufficient to establish whether loss-of-function variants in TNFRSF4 cause disease. This variant is not present in population databases (gnomAD no frequency). ClinVar contains an entry for this variant (Variation ID: 1439674). Experimental studies and prediction algorithms are not available or were not evaluated, and the functional significance of this variant is currently unknown. In summary, the available evidence is currently insufficient to determine the role of this variant in disease. Therefore, it has been classified as a Variant of Uncertain Significance.

Blueprint Genetics
Classification: Uncertain significance. Last evaluated: 2022-09-20. Review status: criteria provided, single submitter. Criteria: ACMG Guidelines, 2015. Collection method: clinical testing. Allele origin: germline.

NM_003327.4(TNFRSF4):c.678del (p.Leu227fs)

Gene: TNFRSF4 (TNF receptor superfamily member 4; minus strand). Cytogenetic location: 1p36.33.
Variant type: Deletion.
Coding change: c.678del on transcript NM_003327.4 (MANE Select); coding-DNA position 678, one base deleted (G; older notation c.678delG).
Protein change: p.Leu227fs; shifts the reading frame from leucine 227.
Molecular consequence: frameshift variant.
Genome position (GRCh38, 1-based): chr1:1,211,789, C deleted on the plus strand (G on the coding strand, the reverse complement: TNFRSF4 is on the minus strand); the first of 4 consecutive C bases (chr1:1,211,789-1,211,792); deleting any one gives the same sequence. VCF-style (leftmost placement, unchanged base first): chr1-1211788-GC-G. GRCh37 (hg19) VCF-style: chr1-1147168-GC-G.
Other names: short protein forms L227fs.
Identifiers: ClinVar variation 1439674 (VCV001439674.8), dbSNP rs2100949816, ClinGen allele CA520736485.